The following is an entry in ClinVar:

ClinVar aggregate classification (germline): Likely benign. Review status: criteria provided, multiple submitters, no conflicts (2 of 4 stars). 5 submissions from 5 submitters: Likely benign (5). Last evaluated 2026-02-01.

Conditions:
Inborn genetic diseases. Identifiers: MedGen C0950123, MeSH D030342.
CHARGE syndrome (CHARGE). Also called: Hittner Hirsch Kreh syndrome; CHARGE ASSOCIATION--COLOBOMA, HEART ANOMALY, CHOANAL ATRESIA, RETARDATION, GENITAL AND EAR ANOMALIES; Coloboma, heart anomaly, choanal atresia, retardation, genital and ear anomalies; CHARGE association; Hall-Hittner syndrome. Identifiers: Orphanet 138, MedGen C0265354, MONDO:0008965.
Hypogonadotropic hypogonadism 5 with or without anosmia (KAL5). Also called: HYPOGONADOTROPIC HYPOGONADISM 5 WITH ANOSMIA; HYPOGONADOTROPHIC HYPOGONADISM 5 WITHOUT ANOSMIA; CHD7-Related GnRH Deficiency (Kallmann Syndrome 5). Identifiers: Orphanet 478, MedGen C3552553, MONDO:0012880, OMIM 612370. Disease mechanism: loss of function.

Allele frequency attached by ClinVar (database versions not stated): gnomAD exomes 0.00001 and 0.00005; ExAC 0.00003; ESP Exome Variant Server 0.00008; gnomAD 0.00009 and 0.00011; TOPMed 0.00013.
gnomAD v4.1: 31 of 1,607,292 alleles (0.0019%); highest among the groups gnomAD compares: African/African-American, 0.023%; no homozygotes.

Submissions (5):

Labcorp Genetics (formerly Invitae), Labcorp
Classification: Likely benign for CHARGE syndrome. Last evaluated: 2026-02-01. Review status: criteria provided, single submitter. Criteria: Invitae Variant Classification Sherloc (09022015). Collection method: clinical testing. Allele origin: germline.

Ambry Genetics
Classification: Likely benign for Inborn genetic diseases. Last evaluated: 2025-01-13. Review status: criteria provided, single submitter. Criteria: Ambry Variant Classification Scheme 2023. Collection method: clinical testing. Allele origin: germline.

CeGaT Center for Human Genetics Tuebingen
Classification: Likely benign. Last evaluated: 2024-01-01. Review status: criteria provided, single submitter. Criteria: CeGaT Center For Human Genetics Tuebingen Variant Classification Criteria Version 2. Collection method: clinical testing. Allele origin: germline. Affected: yes. Observed: 3 variant alleles.
Comment: CHD7: BP4

Fulgent Genetics
Classification: Likely benign for CHD7-related CHARGE syndrome; Hypogonadotropic hypogonadism 5 with or without anosmia. Last evaluated: 2022-03-01. Review status: criteria provided, single submitter. Criteria: ACMG Guidelines, 2015. Collection method: clinical testing. Allele origin: unknown.

GeneDx
Classification: Likely benign. Last evaluated: 2021-05-11. Review status: criteria provided, single submitter. Criteria: GeneDx Variant Classification Process June 2021. Collection method: clinical testing. Allele origin: germline. Affected: yes.

NM_017780.4(CHD7):c.4653G>A (p.Leu1551=)

Gene: CHD7 (chromodomain helicase DNA binding protein 7; plus strand). Cytogenetic location: 8q12.2.
Variant type: single nucleotide variant.
Coding change: c.4653G>A on transcript NM_017780.4 (MANE Select); coding-DNA position 4653, G replaced by A.
Protein change: p.Leu1551=; no amino-acid change (leucine 1551 retained).
Molecular consequence: synonymous variant. On other transcripts: intron variant (1).
Genome position (GRCh38, 1-based): chr8:60,841,855, G>A. VCF-style: chr8-60841855-G-A. GRCh37 (hg19) VCF-style: chr8-61754414-G-A.
Other names: c.1717-20374G>A (NM_001316690.1); c.4653G>A (NM_017780.3).
Identifiers: ClinVar variation 1118979 (VCV001118979.36), dbSNP rs368093874, ClinGen allele CA4760176.